The following is an entry in ClinVar:

NM_016107.5(ZFR):c.1121C>G (p.Ser374Cys)

Gene: ZFR (zinc finger RNA binding protein; minus strand). Cytogenetic location: 5p13.3.
Variant type: single nucleotide variant.
Coding change: c.1121C>G on transcript NM_016107.5 (MANE Select); coding-DNA position 1121, C replaced by G.
Protein change: p.Ser374Cys; replaces serine 374 with cysteine.
Molecular consequence: missense variant. On other transcripts: non-coding transcript variant (1).
Genome position (GRCh38, 1-based): chr5:32,404,009, G>C on the plus strand (C>G on the coding strand, the complement: ZFR is on the minus strand). VCF-style: chr5-32404009-G-C. GRCh37 (hg19) VCF-style: chr5-32404114-G-C.
Other names: short protein forms S374C.
Identifiers: ClinVar variation 2063787 (VCV002063787.4), dbSNP rs2478411199, ClinGen allele CA359360840.
Genomic context (GRCh38, chr5:32,404,009, plus strand): 5'-GCTCCTGTACAAGACACATCGCAGAGCTCACAACGTAGCTGATTTTGAGTCCCACGAGTA[G>C]AACTGTTGCTGCTGCTGGTATTTTGTGAGGCTTTCAATGCAGCTTCTTTTTTTTTATGTT-3'
Protein context (NP_057191.2, residues 364-384): ASQNTSSSNS[Ser374Cys]TRGTQNQLRC

ClinVar aggregate classification (germline): Uncertain significance (1 of 4 stars; one submission).

Conditions:
Pure or complex autosomal recessive spastic paraplegia. Identifiers: Orphanet 320346, MedGen C5679887, MONDO:0017915.

Allele frequency attached by ClinVar (database versions not stated): gnomAD exomes 0.00001.
gnomAD v4.1: 10 of 1,614,100 alleles (0.00062%); highest among the groups gnomAD compares: Non-Finnish European, 0.00085%; no homozygotes.

Submission:

Labcorp Genetics (formerly Invitae), Labcorp
Classification: Uncertain significance for Pure or complex autosomal recessive spastic paraplegia. Last evaluated: 2022-03-29. Review status: criteria provided, single submitter. Criteria: Invitae Variant Classification Sherloc (09022015). Collection method: clinical testing. Allele origin: germline.
Comment: This sequence change replaces serine, which is neutral and polar, with cysteine, which is neutral and slightly polar, at codon 374 of the ZFR protein (p.Ser374Cys). This variant is not present in population databases (gnomAD no frequency). This variant has not been reported in the literature in individuals affected with ZFR-related conditions. Algorithms developed to predict the effect of missense changes on protein structure and function are either unavailable or do not agree on the potential impact of this missense change (SIFT: "Deleterious"; PolyPhen-2: "Not Available"; Align-GVGD: "Class C0"). In summary, the available evidence is currently insufficient to determine the role of this variant in disease. Therefore, it has been classified as a Variant of Uncertain Significance.